The following is an entry in ClinVar:

ClinVar aggregate classification (germline): Uncertain significance (1 of 4 stars; one submission).

Submission:

Women's Health and Genetics/Laboratory Corporation of America, LabCorp
Classification: Uncertain significance. Last evaluated: 2026-05-18. Review status: criteria provided, single submitter. Criteria: LabCorp Variant Classification Summary - May 2015. Collection method: clinical testing. Allele origin: germline.
Comment: Variant summary: The variant involves the duplication of exons 1-15 in the VPS45 gene. A presumed nomenclature of c.(?_-83)_(*534_?)dup has been designated for the purposes of this classification. This duplication includes the entire coding sequence of the gene. As exact breakpoints are unknown, it may extend beyond the annotated region of the gene, to include other flanking genes. The variant was absent in 21694 control chromosomes. The available data on variant occurrences in the general population are insufficient to allow any conclusion about variant significance. To our knowledge, no occurrence of c.(?_-83)_(*534_?)dup in individuals affected with VPS45-related conditions and no experimental evidence demonstrating its impact on protein function have been reported. No submitters have cited clinical-significance assessments for this variant to ClinVar. Based on the evidence outlined above, the variant was classified as uncertain significance.

NC_000001.10:g.(?_150039832)_(150117508_?)dup

Gene: VPS45 (vacuolar protein sorting 45 homolog; plus strand). Cytogenetic location: 1q21.2.
Variant type: Duplication.
Identifiers: ClinVar variation 4853028 (VCV004853028.1).